The following is an entry in ClinVar:

NM_014314.4(RIGI):c.2448G>T (p.Leu816Phe)

Genes: RIGI (RNA sensor RIG-I; minus strand), LOC101060445 (uncharacterized LOC101060445; plus strand). Cytogenetic location: 9p21.1.
Variant type: single nucleotide variant.
Coding change: c.2448G>T on transcript NM_014314.4 (MANE Select); coding-DNA position 2448, G replaced by T.
Protein change: p.Leu816Phe; replaces leucine 816 with phenylalanine.
Molecular consequence: missense variant.
Genome position (GRCh38, 1-based): chr9:32,459,404, C>A on the plus strand (G>T on the coding strand, the complement: RIGI is on the minus strand). VCF-style: chr9-32459404-C-A. GRCh37 (hg19) VCF-style: chr9-32459402-C-A.
Other names: c.1839G>T, p.Leu613Phe (NM_001385912.1); c.2433G>T, p.Leu811Phe (NM_001385913.1); c.2004G>T, p.Leu668Phe (NM_001385914.1); c.2442G>T, p.Leu814Phe (NM_001385907.1); c.2277G>T, p.Leu759Phe (NM_001385909.1); c.2007G>T, p.Leu669Phe (NM_001385910.1); short protein forms L613F, L668F, L669F, L759F, L811F, L814F, L816F.
Identifiers: ClinVar variation 3606374 (VCV003606374.2).

ClinVar aggregate classification (germline): Uncertain significance (1 of 4 stars; one submission).

gnomAD v4.1: 3 of 1,613,718 alleles (0.00019%); highest among the groups gnomAD compares: Non-Finnish European, 0.00017%; no homozygotes.

Submission:

Labcorp Genetics (formerly Invitae), Labcorp
Classification: Uncertain significance. Last evaluated: 2024-02-16. Review status: criteria provided, single submitter. Criteria: Invitae Variant Classification Sherloc (09022015). Collection method: clinical testing. Allele origin: germline.
Comment: This sequence change replaces leucine, which is neutral and non-polar, with phenylalanine, which is neutral and non-polar, at codon 816 of the DDX58 protein (p.Leu816Phe). This variant is not present in population databases (gnomAD no frequency). This variant has not been reported in the literature in individuals affected with DDX58-related conditions. Advanced modeling of protein sequence and biophysical properties (such as structural, functional, and spatial information, amino acid conservation, physicochemical variation, residue mobility, and thermodynamic stability) performed at Invitae indicates that this missense variant is not expected to disrupt DDX58 protein function with a negative predictive value of 80%. In summary, the available evidence is currently insufficient to determine the role of this variant in disease. Therefore, it has been classified as a Variant of Uncertain Significance.